The following is an entry in ClinVar:

NM_015570.4(AUTS2):c.2336A>G (p.Asp779Gly)

Gene: AUTS2 (activator of transcription and developmental regulator AUTS2; plus strand). Cytogenetic location: 7q11.22.
Variant type: single nucleotide variant.
Coding change: c.2336A>G on transcript NM_015570.4 (MANE Select); coding-DNA position 2336, A replaced by G.
Protein change: p.Asp779Gly; replaces aspartic acid 779 with glycine.
Molecular consequence: missense variant.
Genome position (GRCh38, 1-based): chr7:70,787,236, A>G. VCF-style: chr7-70787236-A-G. GRCh37 (hg19) VCF-style: chr7-70252222-A-G.
Other names: c.2264A>G, p.Asp755Gly (NM_001127231.3); short protein forms D755G, D779G.
Identifiers: ClinVar variation 1305997 (VCV001305997.2), dbSNP rs1361039805, ClinGen allele CA367663868.
Genomic context (GRCh38, chr7:70,787,236, plus strand): 5'-TAAACCTTTTTGTTCTCCACTTCACCATTTCAGCACCCAACTCAATGTTCGGCCACAAGG[A>G]TGGCCCCAGTGTGCAGAACTTTAGCAACCCTCACGAACCCTGGAACCGGCTGCACCGAAC-3'
Protein context (NP_056385.1, residues 769-789): VTPNSMFGHK[Asp779Gly]GPSVQNFSNP

ClinVar aggregate classification (germline): Uncertain significance (1 of 4 stars; one submission).

Allele frequency attached by ClinVar (database versions not stated): gnomAD exomes below 0.00001; gnomAD 0.00001.
gnomAD v4.1: 3 of 1,614,102 alleles (0.00019%); highest among the groups gnomAD compares: Non-Finnish European, 0.00025%; no homozygotes.

Submission:

GeneDx
Classification: Uncertain significance. Last evaluated: 2019-05-28. Review status: criteria provided, single submitter. Criteria: GeneDx Variant Classification Process June 2021. Collection method: clinical testing. Allele origin: germline. Affected: yes.
Comment: Not observed in large population cohorts (Lek et al., 2016); In silico analysis, which includes protein predictors and evolutionary conservation, supports a deleterious effect; Has not been previously published as pathogenic or benign to our knowledge